The following is an entry in ClinVar:

ClinVar aggregate classification (germline): Uncertain significance (1 of 4 stars; one submission).

Allele frequency attached by ClinVar (database versions not stated): gnomAD exomes below 0.00001; TOPMed below 0.00001; gnomAD 0.00001.
gnomAD v4.1: 3 of 1,576,502 alleles (0.00019%); highest among the groups gnomAD compares: Non-Finnish European, 0.00026%; no homozygotes.

Submission:

Ambry Genetics
Classification: Uncertain significance. Last evaluated: 2022-05-12. Review status: criteria provided, single submitter. Criteria: Ambry Variant Classification Scheme 2023. Collection method: clinical testing. Allele origin: germline.
Comment: The p.A2206T variant (also known as c.6616G>A), located in coding exon 22 of the POLQ gene, results from a G to A substitution at nucleotide position 6616. The alanine at codon 2206 is replaced by threonine, an amino acid with similar properties. This amino acid position is conserved. In addition, this alteration is predicted to be tolerated by in silico analysis. Since supporting evidence is limited at this time, the clinical significance of this alteration remains unclear.

NM_199420.4(POLQ):c.6616G>A (p.Ala2206Thr)

Gene: POLQ (DNA polymerase theta; minus strand). Cytogenetic location: 3q13.33.
Variant type: single nucleotide variant.
Coding change: c.6616G>A on transcript NM_199420.4 (MANE Select); coding-DNA position 6616, G replaced by A.
Protein change: p.Ala2206Thr; replaces alanine 2206 with threonine.
Molecular consequence: missense variant.
Genome position (GRCh38, 1-based): chr3:121,472,092, C>T on the plus strand (G>A on the coding strand, the complement: POLQ is on the minus strand). VCF-style: chr3-121472092-C-T. GRCh37 (hg19) VCF-style: chr3-121190939-C-T.
Other names: short protein forms A2206T.
Identifiers: ClinVar variation 1754492 (VCV001754492.2), dbSNP rs1386555396, ClinGen allele CA354085411.